The following is an entry in ClinVar:

NM_014633.5(CTR9):c.1597+20T>G

Genes: CTR9 (CTR9 component of Paf1/RNA polymerase II complex; plus strand), LOC126861140 (CDK7 strongly-dependent group 2 enhancer GRCh37_chr11:10785333-10786532; plus strand). Cytogenetic location: 11p15.4.
Variant type: single nucleotide variant.
Coding change: c.1597+20T>G on transcript NM_014633.5 (MANE Select); 20 bases into the intron after coding-DNA position 1597, T replaced by G.
Molecular consequence: intron variant.
Genome position (GRCh38, 1-based): chr11:10,764,751, T>G. VCF-style: chr11-10764751-T-G. GRCh37 (hg19) VCF-style: chr11-10786298-T-G.
Other names: c.1597+20T>G (NM_001346279.2).
Identifiers: ClinVar variation 1951256 (VCV001951256.5), dbSNP rs1198207370, ClinGen allele CA597902130.
Genomic context (GRCh38, chr11:10,764,751, plus strand): 5'-GTATAAAAACATCTTACGCGAACATCCTAATTATGTTGACTGTAAGGATTTTAAACTTCT[T>G]TATGTAATGAAATCCGTTCATTCCCACAAGAGCAGCAAAAATTTAGCCTGAAAAAAATTT-3'

ClinVar aggregate classification (germline): Uncertain significance (1 of 4 stars; one submission).

Allele frequency attached by ClinVar (database versions not stated): gnomAD exomes below 0.00001; TOPMed 0.00001.
gnomAD v4.1: 5 of 1,565,028 alleles (0.00032%); highest among the groups gnomAD compares: East Asian, 0.0068%; no homozygotes.

Submission:

Labcorp Genetics (formerly Invitae), Labcorp
Classification: Uncertain significance. Last evaluated: 2022-09-19. Review status: criteria provided, single submitter. Criteria: Invitae Variant Classification Sherloc (09022015). Collection method: clinical testing. Allele origin: germline.
Comment: This sequence change falls in intron 12 of the CTR9 gene. It does not directly change the encoded amino acid sequence of the CTR9 protein. This variant is present in population databases (no rsID available, gnomAD 0.01%). This variant has not been reported in the literature in individuals affected with CTR9-related conditions. Algorithms developed to predict the effect of sequence changes on RNA splicing suggest that this variant may create or strengthen a splice site. In summary, the available evidence is currently insufficient to determine the role of this variant in disease. Therefore, it has been classified as a Variant of Uncertain Significance.